The following is an entry in ClinVar:

ClinVar aggregate classification (germline): Uncertain significance (1 of 4 stars; one submission).

Conditions:
Charcot-Marie-Tooth disease type 2R. Also called: CHARCOT-MARIE-TOOTH DISEASE, AXONAL, AUTOSOMAL RECESSIVE, TYPE 2R; Charcot-Marie-Tooth disease, axonal, type 2R; CHARCOT-MARIE-TOOTH NEUROPATHY, TYPE 2R. Identifiers: Orphanet 397968, MedGen C3809655, MONDO:0014208, OMIM 615490.

gnomAD v4.1: 1 of 1,613,618 alleles (0.000062%); highest among the groups gnomAD compares: Admixed American, 0.0017%; no homozygotes.

Submission:

Labcorp Genetics (formerly Invitae), Labcorp
Classification: Uncertain significance for Charcot-Marie-Tooth disease type 2R. Last evaluated: 2024-10-01. Review status: criteria provided, single submitter. Criteria: Invitae Variant Classification Sherloc (09022015). Collection method: clinical testing. Allele origin: germline.
Comment: This sequence change replaces threonine, which is neutral and polar, with proline, which is neutral and non-polar, at codon 360 of the TRIM2 protein (p.Thr360Pro). This variant is not present in population databases (gnomAD no frequency). This variant has not been reported in the literature in individuals affected with TRIM2-related conditions. An algorithm developed to predict the effect of missense changes on protein structure and function (PolyPhen-2) suggests that this variant is likely to be tolerated. In summary, the available evidence is currently insufficient to determine the role of this variant in disease. Therefore, it has been classified as a Variant of Uncertain Significance.

NM_015271.5(TRIM2):c.1159A>C (p.Thr387Pro)

Gene: TRIM2 (tripartite motif containing 2; plus strand). Cytogenetic location: 4q31.3.
Variant type: single nucleotide variant.
Coding change: c.1159A>C on transcript NM_015271.5 (MANE Select); coding-DNA position 1159, A replaced by C.
Protein change: p.Thr387Pro; replaces threonine 387 with proline.
Molecular consequence: missense variant.
Genome position (GRCh38, 1-based): chr4:153,295,685, A>C. VCF-style: chr4-153295685-A-C. GRCh37 (hg19) VCF-style: chr4-154216837-A-C.
Other names: c.823A>C, p.Thr275Pro (NM_001375520.1); c.820A>C, p.Thr274Pro (NM_001375522.1, NM_001375523.1, NM_001375525.1); c.1078A>C, p.Thr360Pro (NM_001375517.1, NM_001130067.2, NM_001351056.2 and 5 more transcripts); c.826A>C, p.Thr276Pro (NM_001375519.1); c.1132A>C, p.Thr378Pro (NM_001351054.2); c.1129A>C, p.Thr377Pro (NM_001351055.2); c.703A>C, p.Thr235Pro (NM_001351057.2); c.1252A>C, p.Thr418Pro (NM_001375488.1); and 3 more; short protein forms T235P, T377P, T417P, T367P, T387P, T418P, T276P, T360P.
Identifiers: ClinVar variation 3721974 (VCV003721974.2).
Genomic context (GRCh38, chr4:153,295,685, plus strand): 5'-ATCGGGCAGCCCATGTCCGTCACCATCACCACCAAGGACAAAGACGGTGAGCTGTGCAAA[A>C]CCGGCAACGCCTACCTCACCGCCGAACTGAGCACCCCCGACGGGAGCGTGGCAGACGGGG-3'
Protein context (NP_056086.2, residues 377-397): TKDKDGELCK[Thr387Pro]GNAYLTAELS